The following is an entry in ClinVar:

NM_020166.5(MCCC1):c.1589C>G (p.Ala530Gly)

Gene: MCCC1 (methylcrotonyl-CoA carboxylase subunit 1; minus strand). Cytogenetic location: 3q27.1.
Variant type: single nucleotide variant.
Coding change: c.1589C>G on transcript NM_020166.5 (MANE Select); coding-DNA position 1589, C replaced by G.
Protein change: p.Ala530Gly; replaces alanine 530 with glycine.
Molecular consequence: missense variant. On other transcripts: non-coding transcript variant (1).
Genome position (GRCh38, 1-based): chr3:183,037,223, G>C on the plus strand (C>G on the coding strand, the complement: MCCC1 is on the minus strand). VCF-style: chr3-183037223-G-C. GRCh37 (hg19) VCF-style: chr3-182755011-G-C.
Other names: c.1238C>G, p.Ala413Gly (NM_001293273.2); c.1262C>G, p.Ala421Gly (NM_001363880.1); short protein forms A530G, A413G, A421G.
Identifiers: ClinVar variation 2328031 (VCV002328031.3), dbSNP rs865861432, ClinGen allele CA88700889.

ClinVar aggregate classification (germline): Uncertain significance. Review status: criteria provided, multiple submitters, no conflicts (2 of 4 stars). 2 submissions from 2 submitters: Uncertain significance (2). Last evaluated 2023-04-11.

Conditions:
Inborn genetic diseases. Identifiers: MedGen C0950123, MeSH D030342.

Allele frequency attached by ClinVar (database versions not stated): gnomAD exomes below 0.00001; TOPMed below 0.00001.
gnomAD v4.1: 2 of 1,613,380 alleles (0.00012%); highest among the groups gnomAD compares: African/African-American, 0.0027%; no homozygotes.

Submissions (2):

GeneDx
Classification: Uncertain significance. Last evaluated: 2023-04-11. Review status: criteria provided, single submitter. Criteria: GeneDx Variant Classification Process June 2021. Collection method: clinical testing. Allele origin: germline. Affected: yes.
Comment: Not observed at significant frequency in large population cohorts (gnomAD); In silico analysis supports that this missense variant does not alter protein structure/function; Has not been previously published as pathogenic or benign to our knowledge

Ambry Genetics
Classification: Uncertain significance for Inborn genetic diseases. Last evaluated: 2022-11-18. Review status: criteria provided, single submitter. Criteria: Ambry Variant Classification Scheme 2023. Collection method: clinical testing. Allele origin: germline.